The following is an entry in ClinVar:

ClinVar aggregate classification (germline): Pathogenic (1 of 4 stars; one submission).

Conditions:
Cystic fibrosis (CF). Also called: MUCOVISCIDOSIS. Identifiers: Orphanet 586, MedGen C0010674, MONDO:0009061, OMIM 219700. Disease mechanism: loss of function.
CFTR-related disorder (CFTR-RD). Also called: CFTR-related disorders; CFTR-related condition. Identifiers: MedGen C5924204, MONDO:7770004.

Submission:

CFTR-France
Classification: Pathogenic for cystic fibrosis; CFTR-related disorders. Last evaluated: 2018-01-29. Review status: criteria provided, single submitter. Criteria: Claustres M et al. (Hum Mutat 2017). Collection method: curation. Allele origin: germline. Affected: yes.
Comment: the variant causes a phenotype but regarding our data, we can't formally attribute it to CF, CFTR-RD or both

NM_000492.4(CFTR):c.2450del (p.Gly817fs)

Gene: CFTR (CF transmembrane conductance regulator; plus strand). Cytogenetic location: 7q31.2.
Variant type: Deletion.
Coding change: c.2450del on transcript NM_000492.4 (MANE Select); coding-DNA position 2450, one base deleted (G; older notation c.2450delG).
Protein change: p.Gly817fs; shifts the reading frame from glycine 817.
Molecular consequence: frameshift variant.
Genome position (GRCh38, 1-based): chr7:117,592,617, G deleted; the last of 2 consecutive G bases (chr7:117,592,616-117,592,617); deleting either gives the same sequence. VCF-style (leftmost placement, unchanged base first): chr7-117592615-TG-T. GRCh37 (hg19) VCF-style: chr7-117232669-TG-T.
Other names: short protein forms G817fs.
Identifiers: ClinVar variation 818157 (VCV000818157.1), dbSNP rs1584812778, ClinGen allele CA915945429.